The following is an entry in ClinVar:

ClinVar aggregate classification (germline): Uncertain significance (1 of 4 stars; one submission).

Conditions:
Familial melanoma. Also called: Hereditary melanoma; Hereditary cutaneous melanoma. Identifiers: Orphanet 618, MedGen C1512419, MONDO:0018961.

gnomAD v4.1: 2 of 1,614,138 alleles (0.00012%); highest among the groups gnomAD compares: Non-Finnish European, 0.00017%; no homozygotes.

Submission:

Labcorp Genetics (formerly Invitae), Labcorp
Classification: Uncertain significance for Familial melanoma. Last evaluated: 2025-10-23. Review status: criteria provided, single submitter. Criteria: Invitae Variant Classification Sherloc (09022015). Collection method: clinical testing. Allele origin: germline.
Comment: This sequence change replaces serine, which is neutral and polar, with cysteine, which is neutral and slightly polar, at codon 4 of the CDK4 protein (p.Ser4Cys). This variant is not present in population databases (gnomAD no frequency). This variant has not been reported in the literature in individuals affected with CDK4-related conditions. ClinVar contains an entry for this variant (Variation ID: 2822419). An algorithm developed to predict the effect of missense changes on protein structure and function (PolyPhen-2) suggests that this variant is likely to be tolerated. In summary, the available evidence is currently insufficient to determine the role of this variant in disease. Therefore, it has been classified as a Variant of Uncertain Significance.

NM_000075.4(CDK4):c.11C>G (p.Ser4Cys)

Gene: CDK4 (cyclin dependent kinase 4; minus strand). Cytogenetic location: 12q14.1.
Variant type: single nucleotide variant.
Coding change: c.11C>G on transcript NM_000075.4 (MANE Select); coding-DNA position 11, C replaced by G.
Protein change: p.Ser4Cys; replaces serine 4 with cysteine.
Molecular consequence: missense variant.
Genome position (GRCh38, 1-based): chr12:57,751,707, G>C on the plus strand (C>G on the coding strand, the complement: CDK4 is on the minus strand). VCF-style: chr12-57751707-G-C. GRCh37 (hg19) VCF-style: chr12-58145490-G-C.
Other names: short protein forms S4C.
Identifiers: ClinVar variation 2822419 (VCV002822419.3), dbSNP rs1227101024, ClinGen allele CA385549325.